The following is an entry in ClinVar:

NM_001011.4(RPS7):c.148-7_148-6delinsAA

Gene: RPS7 (ribosomal protein S7; plus strand). Cytogenetic location: 2p25.3.
Variant type: Indel.
Coding change: c.148-7_148-6delinsAA on transcript NM_001011.4 (MANE Select); 7 bases into the intron before coding-DNA position 148 through 6 bases into the intron before coding-DNA position 148, TC replaced by AA.
Molecular consequence: intron variant.
Genome position (GRCh38, 1-based): chr2:3,576,480-3,576,481, TC replaced by AA. VCF-style: chr2-3576480-TC-AA. GRCh37 (hg19) VCF-style: chr2-3624070-TC-AA.
Identifiers: ClinVar variation 2696657 (VCV002696657.3), dbSNP rs2528178732, ClinGen allele CA2697547795.

ClinVar aggregate classification (germline): Uncertain significance (1 of 4 stars; one submission).

Conditions:
Diamond-Blackfan anemia 8 (DBA8). Also called: RPS7-Related Diamond-Blackfan Anemia. Identifiers: Orphanet 124, MedGen C2675511, MONDO:0012939, OMIM 612563.

Submission:

Labcorp Genetics (formerly Invitae), Labcorp
Classification: Uncertain significance for Diamond-Blackfan anemia 8. Last evaluated: 2024-10-22. Review status: criteria provided, single submitter. Criteria: Invitae Variant Classification Sherloc (09022015). Collection method: clinical testing. Allele origin: germline.
Comment: This sequence change falls in intron 3 of the RPS7 gene. It does not directly change the encoded amino acid sequence of the RPS7 protein. Information on the frequency of this variant in the gnomAD database is not available, as this variant may be reported differently in the database. This variant has not been reported in the literature in individuals affected with RPS7-related conditions. Experimental studies and prediction algorithms are not available or were not evaluated, and the effect of this variant on mRNA splicing is currently unknown. In summary, the available evidence is currently insufficient to determine the role of this variant in disease. Therefore, it has been classified as a Variant of Uncertain Significance.